The following is an entry in ClinVar:

NM_003489.4(NRIP1):c.3408A>C (p.Pro1136=)

Gene: NRIP1 (nuclear receptor interacting protein 1; minus strand). Cytogenetic location: 21q11.2.
Variant type: single nucleotide variant.
Coding change: c.3408A>C on transcript NM_003489.4 (MANE Select); coding-DNA position 3408, A replaced by C.
Protein change: p.Pro1136=; no amino-acid change (proline 1136 retained).
Molecular consequence: synonymous variant.
Genome position (GRCh38, 1-based): chr21:14,964,785, T>G on the plus strand (A>C on the coding strand, the complement: NRIP1 is on the minus strand). VCF-style: chr21-14964785-T-G. GRCh37 (hg19) VCF-style: chr21-16337106-T-G.
Other names: c.3408A>C (NM_003489.3).
Identifiers: ClinVar variation 2414132 (VCV002414132.8), dbSNP rs145216004, ClinGen allele CA9980962.

ClinVar aggregate classification (germline): Likely benign. Review status: criteria provided, single submitter (1 of 4 stars). 2 submissions from 2 submitters: Likely benign (1). 1 of the submissions does not count toward it. Last evaluated 2022-09-26.

Conditions:
NRIP1-related disorder. Also called: NRIP1-related condition.

Allele frequency attached by ClinVar (database versions not stated): ExAC 0.00002; gnomAD exomes 0.00002; ESP Exome Variant Server 0.00015; gnomAD 0.00016; TOPMed 0.00018.
gnomAD v4.1: 46 of 1,605,618 alleles (0.0029%); highest among the groups gnomAD compares: African/African-American, 0.061%; no homozygotes.

Submissions (2):

Labcorp Genetics (formerly Invitae), Labcorp
Classification: Likely benign. Last evaluated: 2022-09-26. Review status: criteria provided, single submitter. Criteria: Invitae Variant Classification Sherloc (09022015). Collection method: clinical testing. Allele origin: germline.

PreventionGenetics, part of Exact Sciences
Classification: Likely benign for NRIP1-related condition. Last evaluated: 2024-04-04. Review status: no assertion criteria provided. Collection method: clinical testing. Allele origin: germline. Not counted in ClinVar's aggregate classification.
Comment: This variant is classified as likely benign based on ACMG/AMP sequence variant interpretation guidelines (Richards et al. 2015 PMID: 25741868, with internal and published modifications).